The following is an entry in ClinVar:

NM_020738.4(KIDINS220):c.4272G>C (p.Gly1424=)

Gene: KIDINS220 (kinase D interacting substrate 220; minus strand). Cytogenetic location: 2p25.1.
Variant type: single nucleotide variant.
Coding change: c.4272G>C on transcript NM_020738.4 (MANE Select); coding-DNA position 4272, G replaced by C.
Protein change: p.Gly1424=; no amino-acid change (glycine 1424 retained).
Molecular consequence: synonymous variant. On other transcripts: intron variant (6).
Genome position (GRCh38, 1-based): chr2:8,731,764, C>G on the plus strand (G>C on the coding strand, the complement: KIDINS220 is on the minus strand). VCF-style: chr2-8731764-C-G. GRCh37 (hg19) VCF-style: chr2-8871894-C-G.
Other names: c.4275G>C, p.Gly1425= (NM_001348729.2); c.4218G>C, p.Gly1406= (NM_001348731.2); c.4215G>C, p.Gly1405= (NM_001348732.2); c.4104G>C, p.Gly1368= (NM_001348734.2); c.4101G>C, p.Gly1367= (NM_001348735.2); c.3975G>C, p.Gly1325= (NM_001348736.2); c.3882+1680G>C (NM_001348741.2, NM_001348742.2, NM_001348743.2); c.3996+1680G>C (NM_001348738.2); and 1 more.
Identifiers: ClinVar variation 4984784 (VCV004984784.1).

ClinVar aggregate classification (germline): Likely benign (1 of 4 stars; one submission).

Conditions:
KIDINS220-related disorder. Also called: KIDINS220-related condition.

gnomAD v4.1: 11 of 1,614,036 alleles (0.00068%); highest among the groups gnomAD compares: Non-Finnish European, 0.00025%; no homozygotes.

Submission:

PreventionGenetics, part of Exact Sciences
Classification: Likely benign for KIDINS220-related condition. Last evaluated: 2025-09-26. Review status: criteria provided, single submitter. Criteria: ACMG Guidelines, 2015. Collection method: clinical testing. Allele origin: germline.
Comment: This variant is classified as likely benign based on ACMG/AMP sequence variant interpretation guidelines (Richards et al. 2015 PMID: 25741868, with internal and published modifications).